The following is an entry in ClinVar:

ClinVar aggregate classification (germline): Conflicting classifications of pathogenicity. Review status: criteria provided, conflicting classifications (1 of 4 stars). 4 submissions from 4 submitters: Uncertain significance (3); Likely benign (1). Last evaluated 2025-12-22.

Conditions:
Hereditary cancer-predisposing syndrome. Also called: Hereditary neoplastic syndrome; Neoplastic Syndromes, Hereditary; Tumor predisposition; Hereditary Cancer Syndrome. Identifiers: Orphanet 140162, MedGen C0027672, MeSH D009386, MONDO:0015356.
Hereditary diffuse gastric adenocarcinoma (HDGC). Also called: DIFFUSE GASTRIC AND LOBULAR BREAST CANCER SYNDROME. Identifiers: Orphanet 26106, MedGen C1708349, MONDO:0007648, OMIM 137215.
Familial cancer of breast. Also called: BREAST CANCER, FAMILIAL; hereditary breast carcinoma; Hereditary breast cancer. Identifiers: Orphanet 227535, MedGen C0346153, MONDO:0016419, OMIM 114480. Disease mechanism: loss of function.

Submissions (4):

Labcorp Genetics (formerly Invitae), Labcorp
Classification: Uncertain significance for Hereditary diffuse gastric adenocarcinoma. Last evaluated: 2025-12-22. Review status: criteria provided, single submitter. Criteria: Invitae Variant Classification Sherloc (09022015). Collection method: clinical testing. Allele origin: germline.
Comment: This sequence change replaces asparagine, which is neutral and polar, with serine, which is neutral and polar, at codon 390 of the CDH1 protein (p.Asn390Ser). This variant is not present in population databases (gnomAD no frequency). This variant has not been reported in the literature in individuals affected with CDH1-related conditions. ClinVar contains an entry for this variant (Variation ID: 463702). An algorithm developed to predict the effect of missense changes on protein structure and function (PolyPhen-2) suggests that this variant is likely to be tolerated. In summary, the available evidence is currently insufficient to determine the role of this variant in disease. Therefore, it has been classified as a Variant of Uncertain Significance.

Ambry Genetics
Classification: Likely benign for Hereditary cancer-predisposing syndrome. Last evaluated: 2024-10-31. Review status: criteria provided, single submitter. Criteria: Ambry Variant Classification Scheme 2023. Collection method: clinical testing. Allele origin: germline.

Baylor Genetics
Classification: Uncertain significance for Familial cancer of breast. Last evaluated: 2024-03-19. Review status: criteria provided, single submitter. Criteria: ACMG Guidelines, 2015. Collection method: clinical testing. Allele origin: unknown.

MGZ Medical Genetics Center
Classification: Uncertain significance for Familial cancer of breast. Last evaluated: 2021-10-20. Review status: criteria provided, single submitter. Criteria: ACMG Guidelines, 2015. Collection method: clinical testing. Allele origin: germline. Affected: yes. Observed: 1 variant allele.
Comment: ACMG criteria applied: PM2_SUP, BP4

Literature cited by the submitters: PubMed 30287823 (cited by Ambry Genetics).

NM_004360.5(CDH1):c.1169A>G (p.Asn390Ser)

Gene: CDH1 (cadherin 1; plus strand). Cytogenetic location: 16q22.1.
Variant type: single nucleotide variant.
Coding change: c.1169A>G on transcript NM_004360.5 (MANE Select); coding-DNA position 1169, A replaced by G.
Protein change: p.Asn390Ser; replaces asparagine 390 with serine.
Molecular consequence: missense variant. On other transcripts: 5 prime UTR variant (2), intron variant (1).
Genome position (GRCh38, 1-based): chr16:68,813,344, A>G. VCF-style: chr16-68813344-A-G. GRCh37 (hg19) VCF-style: chr16-68847247-A-G.
Other names: c.1169A>G (LRG_301t1); c.-447A>G (NM_001317185.2); c.-651A>G (NM_001317186.2); c.1137+1081A>G (NM_001317184.2); short protein forms N390S.
Identifiers: ClinVar variation 463702 (VCV000463702.17), dbSNP rs964044070, ClinGen allele CA283307200.